The following is an entry in ClinVar:

NM_016373.4(WWOX):c.1110_1119del (p.Leu371fs)

Genes: MAF (MAF bZIP transcription factor; minus strand), WWOX (WW domain containing oxidoreductase; plus strand). Cytogenetic location: 16q23.2.
Variant type: Deletion.
Coding change: c.1110_1119del on transcript NM_016373.4 (MANE Select); coding-DNA positions 1110 to 1119, 10 bases deleted (TCTGGGAGGG; older notation c.1110_1119delTCTGGGAGGG).
Protein change: p.Leu371fs; shifts the reading frame from leucine 371.
Molecular consequence: frameshift variant.
Genome position (GRCh38, 1-based): chr16:79,211,661-79,211,670, TCTGGGAGGG deleted; deleting any 10 consecutive bases within chr16:79,211,655-79,211,670 gives the same sequence; the c. name uses the placement nearest the transcript's 3' end. VCF-style (leftmost placement, unchanged base first): chr16-79211654-TGGAGGGTCTG-T. GRCh37 (hg19) VCF-style: chr16-79245551-TGGAGGGTCTG-T.
Other names: c.771_780del, p.Leu258fs (NM_001291997.2); short protein forms L258fs, L371fs.
Identifiers: ClinVar variation 958916 (VCV000958916.12), dbSNP rs2051756247, ClinGen allele CA1139664835.

ClinVar aggregate classification (germline): Pathogenic/Likely pathogenic. Review status: criteria provided, multiple submitters, no conflicts (2 of 4 stars). 2 submissions from 2 submitters: Pathogenic (1); Likely pathogenic (1). Last evaluated 2025-12-19.

Conditions:
Developmental and epileptic encephalopathy, 1 (DEE1). Also called: INFANTILE SPASM SYNDROME, X-LINKED 1; Epileptic encephalopathy, early infantile, 1; Tonic spasms with clustering, arrest of psychomotor development and hypsarrhythmia on EEG; X-Linked Infantile Spasm Syndrome; X-linked infantile spasms; West's syndrome. Identifiers: MedGen C3463992, MONDO:0010632, OMIM 308350. Disease mechanism: loss of function.
Autosomal recessive spinocerebellar ataxia 12. Also called: SPINOCEREBELLAR ATAXIA WITH MENTAL RETARDATION AND EPILEPSY. Identifiers: Orphanet 284282, MedGen C3280452, MONDO:0013687, OMIM 614322.

Submissions (2):

Labcorp Genetics (formerly Invitae), Labcorp
Classification: Pathogenic for Developmental and epileptic encephalopathy, 1; Autosomal recessive spinocerebellar ataxia 12. Last evaluated: 2025-12-19. Review status: criteria provided, single submitter. Criteria: Invitae Variant Classification Sherloc (09022015). Collection method: clinical testing. Allele origin: germline.
Comment: This sequence change creates a premature translational stop signal (p.Leu371Cysfs*31) in the WWOX gene. While this is not anticipated to result in nonsense mediated decay, it is expected to disrupt the last 44 amino acid(s) of the WWOX protein. This variant is not present in population databases (gnomAD no frequency). This variant has not been reported in the literature in individuals affected with WWOX-related conditions. ClinVar contains an entry for this variant (Variation ID: 958916). This variant disrupts a region of the WWOX protein in which other variant(s) (p.Gly372*) have been determined to be pathogenic (PMID: 31780880; internal data). This suggests that this is a clinically significant region of the protein, and that variants that disrupt it are likely to be disease-causing. For these reasons, this variant has been classified as Pathogenic.

Revvity Omics, Revvity
Classification: Likely pathogenic. Last evaluated: 2023-11-07. Review status: criteria provided, single submitter. Criteria: ACMG Guidelines, 2015. Collection method: clinical testing. Allele origin: germline.

Literature cited by the submitters: PubMed 31780880 (cited by Labcorp Genetics (formerly Invitae), Labcorp).